The following is an entry in ClinVar:

ClinVar aggregate classification (germline): Conflicting classifications of pathogenicity. Review status: criteria provided, conflicting classifications (1 of 4 stars). 3 submissions from 3 submitters: Uncertain significance (2); Likely benign (1). Last evaluated 2026-02-02.

Conditions:
Congenital generalized lipodystrophy type 1 (CGL1). Also called: BRUNZELL SYNDROME, AGPAT2-RELATED; Berardinelli-Seip Congenital Lipodystrophy Type 1. Identifiers: Orphanet 528, Orphanet 696189, MedGen C1720862, MONDO:0012071, OMIM 608594.

Allele frequency attached by ClinVar (database versions not stated): gnomAD exomes 0.00004 and 0.00023; gnomAD 0.00007 and 0.00008; TOPMed 0.00015; ExAC 0.00024.

Submissions (3):

Labcorp Genetics (formerly Invitae), Labcorp
Classification: Likely benign. Last evaluated: 2026-02-02. Review status: criteria provided, single submitter. Criteria: Invitae Variant Classification Sherloc (09022015). Collection method: clinical testing. Allele origin: germline.

Illumina Laboratory Services, Illumina
Classification: Uncertain significance for Congenital generalized lipodystrophy type 1. Last evaluated: 2018-01-13. Review status: criteria provided, single submitter. Criteria: ICSL Variant Classification Criteria 13 December 2019. Collection method: clinical testing. Allele origin: germline.

GeneDx
Classification: Uncertain significance. Last evaluated: 2016-06-21. Review status: criteria provided, single submitter. Criteria: GeneDx Variant Classification (06012015). Collection method: clinical testing. Allele origin: germline. Affected: yes.
Comment: The M105I variant in the AGPAT2 gene has not been reported previously as a pathogenic variant, nor as a benign variant, to our knowledge. The M105I variant was observed on 29/8598 (0.3%) alleles from individuals of East Asian background in the Exome Aggregation Consortium (ExAC) data set, indicating it may be a rare variant in this population. The M105I variant is a conservative amino acid substitution, which is not likely to impact secondary protein structure as these residues share similar properties. This substitution occurs at a position where amino acids with similar properties to Methionine are tolerated across species. In silico analysis is inconsistent in its predictions as to whether or not the variant is damaging to the protein structure/function. We interpret M105I as a variant of uncertain significance.

NM_006412.4(AGPAT2):c.315G>T (p.Met105Ile)

Gene: AGPAT2 (1-acylglycerol-3-phosphate O-acyltransferase 2; minus strand). Cytogenetic location: 9q34.3.
Variant type: single nucleotide variant.
Coding change: c.315G>T on transcript NM_006412.4 (MANE Select); coding-DNA position 315, G replaced by T.
Protein change: p.Met105Ile; replaces methionine 105 with isoleucine.
Molecular consequence: missense variant.
Genome position (GRCh38, 1-based): chr9:136,677,424, C>A on the plus strand (G>T on the coding strand, the complement: AGPAT2 is on the minus strand). VCF-style: chr9-136677424-C-A. GRCh37 (hg19) VCF-style: chr9-139571876-C-A.
Other names: c.315G>T, p.Met105Ile (NM_001012727.2); short protein forms M105I.
Identifiers: ClinVar variation 365930 (VCV000365930.12), dbSNP rs746809573, ClinGen allele CA5343082.